The following is an entry in ClinVar:

ClinVar aggregate classification (germline): Uncertain significance (0 of 4 stars; one submission).

Conditions:
PLXNA1-related disorder. Also called: PLXNA1-related condition.

gnomAD v4.1: 26 of 1,599,582 alleles (0.0016%); highest among the groups gnomAD compares: Middle Eastern, 0.019%; no homozygotes.

Submission:

PreventionGenetics, part of Exact Sciences
Classification: Uncertain significance for PLXNA1-related condition. Last evaluated: 2024-04-12. Review status: no assertion criteria provided. Collection method: clinical testing. Allele origin: germline.
Comment: The PLXNA1 c.3665G>A variant is predicted to result in the amino acid substitution p.Arg1222Gln. To our knowledge, this variant has not been reported in the literature. This variant is predicted to impact the exon 19 acceptor splice site of the PLXNA1 gene based on splicing visualization and prediction software (Alamut Visual plus v1.6.1; SpliceAI, Jaganathan et al. 2019. PubMed ID: 30661751). This variant is reported in 0.011% of alleles in individuals of East Asian descent in gnomAD. At this time, the clinical significance of this variant is uncertain due to the absence of conclusive functional and genetic evidence.

NM_032242.4(PLXNA1):c.3665G>A (p.Arg1222Gln)

Gene: PLXNA1 (plexin A1; plus strand). Cytogenetic location: 3q21.3.
Variant type: single nucleotide variant.
Coding change: c.3665G>A on transcript NM_032242.4 (MANE Select); coding-DNA position 3665, G replaced by A.
Protein change: p.Arg1222Gln; replaces arginine 1222 with glutamine.
Molecular consequence: missense variant.
Genome position (GRCh38, 1-based): chr3:127,018,298, G>A. VCF-style: chr3-127018298-G-A. GRCh37 (hg19) VCF-style: chr3-126737141-G-A.
Other names: short protein forms R1222Q.
Identifiers: ClinVar variation 3357758 (VCV003357758.1).
Genomic context (GRCh38, chr3:127,018,298, plus strand): 5'-TCCCAAGCTTTGTGGAAAGCATGGGAAGCTCCTGAGTGGCCTCCACCCACTGGCAGGTGC[G>A]GGCAGGTGGCTTCGAGTTCTCGCCAGGGACACTGCAGGTGTACTCGGACAGCCTGCTGAC-3'
Protein context (NP_115618.3, residues 1212-1232): NLTGQHKVTV[Arg1222Gln]AGGFEFSPGT